The following is an entry in ClinVar:

NM_000540.3(RYR1):c.737A>G (p.Tyr246Cys)

Gene: RYR1 (ryanodine receptor 1; plus strand). Cytogenetic location: 19q13.2.
Variant type: single nucleotide variant.
Coding change: c.737A>G on transcript NM_000540.3 (MANE Select); coding-DNA position 737, A replaced by G.
Protein change: p.Tyr246Cys; replaces tyrosine 246 with cysteine.
Molecular consequence: missense variant.
Genome position (GRCh38, 1-based): chr19:38,446,705, A>G. VCF-style: chr19-38446705-A-G. GRCh37 (hg19) VCF-style: chr19-38937345-A-G.
Other names: c.737A>G, p.Tyr246Cys (NM_001042723.2); short protein forms Y246C.
Identifiers: ClinVar variation 1304575 (VCV001304575.3), dbSNP rs923613797, ClinGen allele CA308114368.

ClinVar aggregate classification (germline): Uncertain significance. Review status: criteria provided, multiple submitters, no conflicts (2 of 4 stars). 2 submissions from 2 submitters: Uncertain significance (2). Last evaluated 2021-11-08.

Conditions:
Congenital myopathy with fiber type disproportion. Also called: Congenital fiber-type disproportion; Congenital fiber-type disproportion myopathy. Identifiers: Orphanet 2020, MedGen C0546264, MONDO:0009711. Inheritance: all.
King Denborough syndrome (KDS). Identifiers: MedGen C1840365, MONDO:0020485, OMIM 619542.
Congenital multicore myopathy with external ophthalmoplegia (CMYO1B). Also called: Minicore myopathy with external ophthalmoplegia; MULTIMINICORE DISEASE WITH EXTERNAL OPHTHALMOPLEGIA; MULTICORE MYOPATHY; Congenital myopathy 1B, autosomal recessive; Minicore myopathy. Identifiers: Orphanet 598, Orphanet 98905, MedGen C1850674, MONDO:0009712, OMIM 255320, HP:0003789.
Central core myopathy (CMYO1A). Also called: CONGENITAL MYOPATHY 1A, AUTOSOMAL DOMINANT, WITH SUSCEPTIBILITY TO MALIGNANT HYPERTHERMIA; Central core disease; Myopathy, central fibrillar. Identifiers: Orphanet 597, MedGen C5830701, MONDO:0007294, OMIM 117000.
Malignant hyperthermia, susceptibility to, 1 (MHS1). Also called: RYR1-Related Malignant Hyperthermia Susceptibility; Anesthesia related hyperthermia; Malignant hyperpyrexia; Fulminating hyperpyrexia; Pharmacogenic myopathy; Malignant hyperthermia suceptibility 1. Identifiers: Orphanet 423, MedGen C2930980, MONDO:0007783, OMIM 145600.

Allele frequency attached by ClinVar (database versions not stated): gnomAD 0.00001; TOPMed 0.00001.

Submissions (2):

Fulgent Genetics
Classification: Uncertain significance for Central core myopathy; Malignant hyperthermia, susceptibility to, 1; Congenital myopathy 4A, autosomal dominant; Congenital multicore myopathy with external ophthalmoplegia; King Denborough syndrome. Last evaluated: 2021-11-08. Review status: criteria provided, single submitter. Criteria: ACMG Guidelines, 2015. Collection method: clinical testing. Allele origin: unknown.

GeneDx
Classification: Uncertain significance. Last evaluated: 2019-09-12. Review status: criteria provided, single submitter. Criteria: GeneDx Variant Classification Process June 2021. Collection method: clinical testing. Allele origin: germline. Affected: yes.
Comment: Has not been previously published as pathogenic or benign to our knowledge; Not observed in large population cohorts (Lek et al., 2016); In silico analysis, which includes protein predictors and evolutionary conservation, supports a deleterious effect